The following is an entry in ClinVar:

GRCh37/hg19 15q13.3(chr15:32018731-32514341)x4

Gene: CHRNA7 (cholinergic receptor nicotinic alpha 7 subunit). Cytogenetic location: 15q13.3.
Variant type: copy number gain.
Change: copy number 4 of chr15:32,018,731-32,514,341 (495.6 kb, GRCh37 coordinates, 1-based), cytogenetic band 15q13.3.
Identifiers: ClinVar variation 638106 (VCV000638106.2).

ClinVar aggregate classification (germline): Pathogenic (1 of 4 stars; one submission).

Submission:

Clinical Genomics Laboratory, Laboratory for Precision Diagnostics, University of Washington
Classification: Pathogenic. Last evaluated: 2018-08-10. Review status: criteria provided, single submitter. Criteria: Clinical Cytogenomics Laboratory Policy on CNV Interpretation. Collection method: clinical testing. Allele origin: unknown. Affected: yes. Observed: 1 variant allele.
Comment: A risk factor for neurocognitive abnormalities with variable penetrance

Literature cited by the submitters: PubMed 29129316; PubMed 27853923; PubMed 26095975; PubMed 24424125; PubMed 20506139.